The following is an entry in ClinVar:

ClinVar aggregate classification (germline): Pathogenic. Review status: reviewed by expert panel (3 of 4 stars). 6 submissions from 6 submitters: Pathogenic (1). 5 of the submissions do not count toward it. Last evaluated 2016-10-18.

Conditions:
Hereditary cancer-predisposing syndrome. Also called: Hereditary neoplastic syndrome; Neoplastic Syndromes, Hereditary; Tumor predisposition; Hereditary Cancer Syndrome. Identifiers: Orphanet 140162, MedGen C0027672, MeSH D009386, MONDO:0015356.
Breast-ovarian cancer, familial, susceptibility to, 2 (BROVCA2). Also called: BRCA2 Hereditary Breast and Ovarian Cancer. Identifiers: Orphanet 145, MedGen C2675520, MONDO:0012933, OMIM 612555. Disease mechanism: loss of function.
Hereditary breast ovarian cancer syndrome. Also called: BRCA1- and BRCA2-Associated Hereditary Breast and Ovarian Cancer; Hereditary breast and ovarian cancer; Breast and ovarian cancer; Hereditary breast and/or ovarian cancer syndrome; Hereditary breast and ovarian cancer syndrome; Hereditary breast and ovarian cancer syndrome (HBOC). Identifiers: Orphanet 145, MedGen C0677776, MeSH D061325, MONDO:0003582. Disease mechanism: loss of function.

Submissions (6):

Evidence-based Network for the Interpretation of Germline Mutant Alleles (ENIGMA)
Classification: Pathogenic for Breast-ovarian cancer, familial, susceptibility to, 2. Last evaluated: 2016-10-18. Review status: reviewed by expert panel. Criteria: ENIGMA BRCA1/2 Classification Criteria (2015). Collection method: curation. Allele origin: germline.
Comment: Variant allele predicted to encode a truncated non-functional protein.

Labcorp Genetics (formerly Invitae), Labcorp
Classification: Pathogenic for Hereditary breast ovarian cancer syndrome. Last evaluated: 2025-05-26. Review status: criteria provided, single submitter. Criteria: Invitae Variant Classification Sherloc (09022015). Collection method: clinical testing. Allele origin: germline. Not counted in ClinVar's aggregate classification.
Comment: This sequence change creates a premature translational stop signal (p.Arg2824*) in the BRCA2 gene. It is expected to result in an absent or disrupted protein product. Loss-of-function variants in BRCA2 are known to be pathogenic (PMID: 20104584). This variant is not present in population databases (gnomAD no frequency). This premature translational stop signal has been observed in individual(s) with BRCA2-related conditions (PMID: 27157322, 30702160). ClinVar contains an entry for this variant (Variation ID: 267089). For these reasons, this variant has been classified as Pathogenic.

Ambry Genetics
Classification: Pathogenic for Hereditary cancer-predisposing syndrome. Last evaluated: 2021-05-26. Review status: criteria provided, single submitter. Criteria: Ambry Variant Classification Scheme 2023. Collection method: clinical testing. Allele origin: germline. Not counted in ClinVar's aggregate classification.
Comment: The p.R2824* pathogenic mutation (also known as c.8470A>T), located in coding exon 18 of the BRCA2 gene, results from an A to T substitution at nucleotide position 8470. This changes the amino acid from an arginine to a stop codon within coding exon 18. This alteration was identified in a large, worldwide study of BRCA1/2 mutation positive families (Rebbeck TR et al. Hum Mutat, 2018 05;39:593-620). In addition to the clinical data presented in the literature, this alteration is expected to result in loss of function by premature protein truncation or nonsense-mediated mRNA decay. As such, this alteration is interpreted as a disease-causing mutation.

Consortium of Investigators of Modifiers of BRCA1/2 (CIMBA), c/o University of Cambridge
Classification: Pathogenic for Breast-ovarian cancer, familial, susceptibility to, 2. Last evaluated: 2015-10-02. Review status: criteria provided, single submitter. Criteria: CIMBA Mutation Classification guidelines May 2016. Collection method: clinical testing. Allele origin: germline. Not counted in ClinVar's aggregate classification.

Department of Pathology and Laboratory Medicine, Sinai Health System
Classification: Likely pathogenic for Hereditary breast ovarian cancer syndrome. Review status: criteria provided, single submitter. Criteria: ACMG Guidelines, 2015. Collection method: clinical testing. Allele origin: germline. Affected: yes. Study: The Canadian Open Genetics Repository (COGR). Not counted in ClinVar's aggregate classification.

Research Molecular Genetics Laboratory, Women's College Hospital, University of Toronto
Classification: Pathogenic for Hereditary breast ovarian cancer syndrome. Last evaluated: 2014-01-31. Review status: no assertion criteria provided. Collection method: research. Allele origin: germline. Affected: yes. Study: The Canadian Open Genetics Repository (COGR). Not counted in ClinVar's aggregate classification.

Literature cited by the submitters: PubMed 20104584 (cited by Labcorp Genetics (formerly Invitae), Labcorp); PubMed 27157322 (cited by Labcorp Genetics (formerly Invitae), Labcorp); PubMed 30702160 (cited by Labcorp Genetics (formerly Invitae), Labcorp and Ambry Genetics); PubMed 29446198 (cited by Ambry Genetics).

NM_000059.4(BRCA2):c.8470A>T (p.Arg2824Ter)

Gene: BRCA2 (BRCA2 DNA repair associated; plus strand). Cytogenetic location: 13q13.1.
Variant type: single nucleotide variant.
Coding change: c.8470A>T on transcript NM_000059.4 (MANE Select); coding-DNA position 8470, A replaced by T.
Protein change: p.Arg2824Ter; replaces arginine 2824 with a stop codon.
Molecular consequence: nonsense.
Genome position (GRCh38, 1-based): chr13:32,370,540, A>T. VCF-style: chr13-32370540-A-T. GRCh37 (hg19) VCF-style: chr13-32944677-A-T.
Other names: 8698A>T; short protein forms R2824*.
Identifiers: ClinVar variation 267089 (VCV000267089.10), dbSNP rs886040778, ClinGen allele CA10589499.